The following is an entry in ClinVar:

ClinVar aggregate classification (germline): Likely benign. Review status: criteria provided, multiple submitters, no conflicts (2 of 4 stars). 2 submissions from 2 submitters: Likely benign (2). Last evaluated 2025-07-31.

Conditions:
Cardiovascular phenotype. Identifiers: MedGen CN230736.

gnomAD v4.1: 173 of 1,612,922 alleles (0.011%); highest among the groups gnomAD compares: African/African-American, 0.17%; no homozygotes.

Submissions (2):

Mayo Clinic Laboratories, Mayo Clinic
Classification: Likely benign. Last evaluated: 2025-07-31. Review status: criteria provided, single submitter. Criteria: ACMG Guidelines, 2015. Collection method: clinical testing. Allele origin: germline. Observed: 1 variant allele.
Comment: BS1, BP4_moderate

Ambry Genetics
Classification: Likely benign for Cardiovascular phenotype. Last evaluated: 2024-06-04. Review status: criteria provided, single submitter. Criteria: Ambry Variant Classification Scheme 2023. Collection method: clinical testing. Allele origin: germline.

NM_001365276.2(TNXB):c.10813G>A (p.Asp3605Asn)

Genes: TNXB (tenascin XB; minus strand), LOC106780803 (tenascin XB recombination region; plus strand). Cytogenetic location: 6p21.33.
Variant type: single nucleotide variant.
Coding change: c.10813G>A on transcript NM_001365276.2 (MANE Select); coding-DNA position 10813, G replaced by A.
Protein change: p.Asp3605Asn; replaces aspartic acid 3605 with asparagine.
Molecular consequence: missense variant.
Genome position (GRCh38, 1-based): chr6:32,045,120, C>T on the plus strand (G>A on the coding strand, the complement: TNXB is on the minus strand). VCF-style: chr6-32045120-C-T. GRCh37 (hg19) VCF-style: chr6-32012897-C-T.
Other names: p.Asp3603Asn; c.10807G>A, p.Asp3603Asn (NM_019105.8); c.100G>A, p.Asp34Asn (NM_032470.4); short protein forms D34N, D3603N, D3605N.
Identifiers: ClinVar variation 3327944 (VCV003327944.2).